The following is an entry in ClinVar:

ClinVar aggregate classification (germline): Likely benign (0 of 4 stars; one submission).

Conditions:
MYO7B-related disorder. Also called: MYO7B-related condition.

Allele frequency attached by ClinVar (database versions not stated): ESP Exome Variant Server 0.00008.
gnomAD v4.1: 66 of 1,610,180 alleles (0.0041%); highest among the groups gnomAD compares: South Asian, 0.036%; no homozygotes.

Submission:

PreventionGenetics, part of Exact Sciences
Classification: Likely benign for MYO7B-related condition. Last evaluated: 2019-04-01. Review status: no assertion criteria provided. Collection method: clinical testing. Allele origin: germline.
Comment: This variant is classified as likely benign based on ACMG/AMP sequence variant interpretation guidelines (Richards et al. 2015 PMID: 25741868, with internal and published modifications).

NM_001393586.1(MYO7B):c.2034G>A (p.Ser678=)

Gene: MYO7B (myosin VIIB; plus strand). Cytogenetic location: 2q14.3.
Variant type: single nucleotide variant.
Coding change: c.2034G>A on transcript NM_001393586.1 (MANE Select); coding-DNA position 2034, G replaced by A.
Protein change: p.Ser678=; no amino-acid change (serine 678 retained).
Molecular consequence: synonymous variant.
Genome position (GRCh38, 1-based): chr2:127,592,835, G>A. VCF-style: chr2-127592835-G-A. GRCh37 (hg19) VCF-style: chr2-128350410-G-A.
Other names: c.2034G>A, p.Ser678= (NM_001080527.2).
Identifiers: ClinVar variation 3052268 (VCV003052268.2), dbSNP rs370974785, ClinGen allele CA1860980.